The following is an entry in ClinVar:

ClinVar aggregate classification (germline): Uncertain significance (1 of 4 stars; one submission).

Conditions:
Familial thoracic aortic aneurysm and aortic dissection (TAAD). Also called: Thoracic aortic aneurysms and dissections. Identifiers: Orphanet 91387, MedGen C4707243, MONDO:0019625.

Submission:

Labcorp Genetics (formerly Invitae), Labcorp
Classification: Uncertain significance for Familial thoracic aortic aneurysm and aortic dissection. Last evaluated: 2025-08-21. Review status: criteria provided, single submitter. Criteria: Invitae Variant Classification Sherloc (09022015). Collection method: clinical testing. Allele origin: germline.
Comment: This sequence change replaces serine, which is neutral and polar, with arginine, which is basic and polar, at codon 198 of the TGFBR2 protein (p.Ser198Arg). This variant is not present in population databases (gnomAD no frequency). This variant has not been reported in the literature in individuals affected with TGFBR2-related conditions. Invitae Evidence Modeling of protein sequence and biophysical properties (such as structural, functional, and spatial information, amino acid conservation, physicochemical variation, residue mobility, and thermodynamic stability) indicates that this missense variant is not expected to disrupt TGFBR2 protein function with a negative predictive value of 95%. In summary, the available evidence is currently insufficient to determine the role of this variant in disease. Therefore, it has been classified as a Variant of Uncertain Significance.

NM_003242.6(TGFBR2):c.594T>G (p.Ser198Arg)

Gene: TGFBR2 (transforming growth factor beta receptor 2; plus strand). Cytogenetic location: 3p24.1.
Variant type: single nucleotide variant.
Coding change: c.594T>G on transcript NM_003242.6 (MANE Select); coding-DNA position 594, T replaced by G.
Protein change: p.Ser198Arg; replaces serine 198 with arginine.
Molecular consequence: missense variant. On other transcripts: intron variant (1).
Genome position (GRCh38, 1-based): chr3:30,671,777, T>G. VCF-style: chr3-30671777-T-G. GRCh37 (hg19) VCF-style: chr3-30713269-T-G.
Other names: c.669T>G, p.Ser223Arg (NM_001024847.3); c.777T>G, p.Ser259Arg (NM_001407126.1); c.702T>G, p.Ser234Arg (NM_001407127.1); c.621T>G, p.Ser207Arg (NM_001407128.1); c.597T>G, p.Ser199Arg (NM_001407129.1); c.594T>G, p.Ser198Arg (NM_001407130.1); c.489T>G, p.Ser163Arg (NM_001407132.1, NM_001407133.1, NM_001407134.1 and 2 more transcripts); c.309T>G, p.Ser103Arg (NM_001407137.1); and 2 more; short protein forms S103R, S163R, S198R, S199R, S207R, S223R, S234R, S259R.
Identifiers: ClinVar variation 4801606 (VCV004801606.1).